The following is an entry in ClinVar:

ClinVar aggregate classification (germline): Likely pathogenic (1 of 4 stars; one submission).

Conditions:
Nephronophthisis 13 (NPHP13). Identifiers: Orphanet 655, MedGen C3280612, MONDO:0013718, OMIM 614377.

Submission:

Neuberg Centre For Genomic Medicine, NCGM
Classification: Likely pathogenic for Nephronophthisis 13. Review status: criteria provided, single submitter. Criteria: ACMG Guidelines, 2015. Collection method: clinical testing. Allele origin: germline. Inheritance: Autosomal dominant inheritance. Affected: yes.
Comment: The invariant splice donor c.716+2T>C variant in WDR19 gene has not been reported previously as a pathogenic variant nor as a benign variant, to our knowledge. The c.716+2T>C variant is novel not in any individuals in both gnomAD Exomes and 1000 Genomes databases. This variant has not been reported to the ClinVar database. Loss of function variants have been previously reported to be disease causing. For these reasons, this variant has been classified as Likely Pathogenic.

NM_025132.4(WDR19):c.716+2T>C

Gene: WDR19 (WD repeat domain 19; plus strand). Cytogenetic location: 4p14.
Variant type: single nucleotide variant.
Coding change: c.716+2T>C on transcript NM_025132.4 (MANE Select); the canonical splice donor site of the intron after coding-DNA position 716, T replaced by C.
Molecular consequence: splice donor variant.
Genome position (GRCh38, 1-based): chr4:39,205,268, T>C. VCF-style: chr4-39205268-T-C. GRCh37 (hg19) VCF-style: chr4-39206888-T-C.
Other names: c.236+2T>C (NM_001317924.2).
Identifiers: ClinVar variation 3236428 (VCV003236428.2), dbSNP rs2475082619, ClinGen allele CA356634169.